The following is an entry in ClinVar:

NC_000022.11:g.40345705A>T

Gene: ADSL (adenylosuccinate lyase; plus strand). Cytogenetic location: 22q13.1.
Variant type: single nucleotide variant.
Genome position: GRCh38 VCF-style: chr22-40345705-A-T. GRCh37 (hg19) VCF-style: chr22-40741709-A-T.
Identifiers: ClinVar variation 1401957 (VCV001401957.5), dbSNP rs968250682, ClinGen allele CA324446376.

ClinVar aggregate classification (germline): Uncertain significance (1 of 4 stars; one submission).

Conditions:
Adenylosuccinate lyase deficiency (ADSLD). Also called: ADSL DEFICIENCY. Identifiers: Orphanet 46, MedGen C0268126, MONDO:0007068, OMIM 103050.

Allele frequency attached by ClinVar (database versions not stated): TOPMed below 0.00001; gnomAD 0.00001.

Submission:

Labcorp Genetics (formerly Invitae), Labcorp
Classification: Uncertain significance for Adenylosuccinate lyase deficiency. Last evaluated: 2021-06-19. Review status: criteria provided, single submitter. Criteria: Invitae Variant Classification Sherloc (09022015). Collection method: clinical testing. Allele origin: germline.
Comment: This variant occurs in a non-coding region of the ADSL gene. It does not change the encoded amino acid sequence of the ADSL protein. The frequency data for this variant in the population databases is considered unreliable, as metrics indicate insufficient coverage at this position in the ExAC database. In summary, the available evidence is currently insufficient to determine the role of this variant in disease. Therefore, it has been classified as a Variant of Uncertain Significance. Experimental studies and prediction algorithms are not available or were not evaluated, and the functional significance of this variant is currently unknown. This variant has not been reported in the literature in individuals with ADSL-related conditions.